The following is an entry in ClinVar:

ClinVar aggregate classification (germline): Conflicting classifications of pathogenicity. Review status: criteria provided, conflicting classifications (1 of 4 stars). 10 submissions from 10 submitters: Uncertain significance (1); Benign (1); Likely benign (5). 3 of the submissions do not count toward it. Last evaluated 2026-06-11.

Conditions:
EVC2-related disorder. Also called: EVC2-related condition.
Ellis-van Creveld syndrome (EVC). Also called: Chondroectodermal dysplasia; MESOECTODERMAL DYSPLASIA. Identifiers: Orphanet 289, MedGen C0013903, MONDO:0009162, OMIM 225500.
Curry-Hall syndrome (WAD). Also called: WEYERS ACRODENTAL DYSOSTOSIS. Identifiers: Orphanet 952, MedGen C0457013, MONDO:0008673, OMIM 193530.

Allele frequency attached by ClinVar (database versions not stated): 1000 Genomes Project 30x 0.00031; ESP Exome Variant Server 0.00038; 1000 Genomes Project 0.00040; gnomAD exomes 0.00040 and 0.00054; ExAC 0.00056; gnomAD 0.00080 and 0.00083; TOPMed 0.00144.
gnomAD v4.1: 725 of 1,614,156 alleles (0.045%); highest among the groups gnomAD compares: Middle Eastern, 0.76%; 6 homozygotes.

Submissions (10):

Women's Health and Genetics/Laboratory Corporation of America, LabCorp
Classification: Likely benign. Last evaluated: 2026-06-11. Review status: criteria provided, single submitter. Criteria: LabCorp Variant Classification Summary - May 2015. Collection method: clinical testing. Allele origin: germline.
Comment: Variant summary: EVC2 c.904T>A (p.Phe302Ile) results in a non-conservative amino acid change in the encoded protein sequence. Algorithms developed to predict the effect of missense changes on protein structure and function are either unavailable or do not agree on the potential impact of this missense change. The variant allele was found at a frequency of 0.00054 in 251426 control chromosomes in the gnomAD database, including 2 homozygotes. This suggests the variant is likely a benign polymorphism. To our knowledge, no occurrence of c.904T>A in individuals affected with EVC2-related conditions and no experimental evidence demonstrating its impact on protein function have been reported. ClinVar contains an entry for this variant (Variation ID: 461811). Based on the evidence outlined above, the variant was classified as likely benign.

GeneDx
Classification: Uncertain significance. Last evaluated: 2026-02-23. Review status: criteria provided, single submitter. Criteria: GeneDx Variant Classification Process June 2021. Collection method: clinical testing. Allele origin: germline.
Comment: In silico analysis supports that this missense variant has a deleterious effect on protein structure/function; Has not been previously published as pathogenic or benign to our knowledge

Labcorp Genetics (formerly Invitae), Labcorp
Classification: Benign for Curry-Hall syndrome; Ellis-van Creveld syndrome. Last evaluated: 2026-01-28. Review status: criteria provided, single submitter. Criteria: Invitae Variant Classification Sherloc (09022015). Collection method: clinical testing. Allele origin: germline.

Blueprint Genetics
Classification: Likely benign. Last evaluated: 2024-10-31. Review status: criteria provided, single submitter. Criteria: ACMG Guidelines, 2015. Collection method: clinical testing. Allele origin: germline.

Eurofins Ntd Llc (ga)
Classification: Likely benign. Last evaluated: 2018-08-02. Review status: criteria provided, single submitter. Criteria: EGL ClinVar v180209 classification definitions. Collection method: clinical testing. Allele origin: germline. Observed: 1 variant allele, 1 heterozygote.

Illumina Laboratory Services, Illumina
Classification: Likely benign for Ellis-van Creveld syndrome. Last evaluated: 2017-09-24. Review status: criteria provided, single submitter. Criteria: ICSL Variant Classification Criteria 13 December 2019. Collection method: clinical testing. Allele origin: germline.
Comment: This variant was observed as part of a predisposition screen in an ostensibly healthy population. A literature search was performed for the gene, cDNA change, and amino acid change (where applicable). No publications were found based on this search. Allele frequency data from public databases allowed determination this variant is unlikely to cause disease. Therefore, this variant is classified as likely benign.

Breakthrough Genomics
Classification: Likely benign. Review status: criteria provided, single submitter. Criteria: ACMG Guidelines, 2015. Collection method: not provided. Allele origin: germline. Inheritance: Autosomal recessive inheritance. Affected: yes.

PreventionGenetics, part of Exact Sciences
Classification: Uncertain significance for EVC2-related condition. Last evaluated: 2024-04-04. Review status: no assertion criteria provided. Collection method: clinical testing. Allele origin: germline. Not counted in ClinVar's aggregate classification.
Comment: The EVC2 c.904T>A variant is predicted to result in the amino acid substitution p.Phe302Ile. To our knowledge, this variant has not been reported in the literature. This variant is reported in 0.078% of alleles in individuals of South Asian descent in gnomAD. Although we suspect that this variant may be benign, at this time, the clinical significance of this variant is uncertain due to the absence of conclusive functional and genetic evidence.

Clinical Genetics DNA and cytogenetics Diagnostics Lab, Erasmus MC, Erasmus Medical Center
Classification: Uncertain significance. Review status: no assertion criteria provided. Collection method: clinical testing. Allele origin: germline. Affected: yes. Study: VKGL Data-share Consensus. Not counted in ClinVar's aggregate classification.

Laboratory of Diagnostic Genome Analysis, Leiden University Medical Center (LUMC)
Classification: Uncertain significance. Review status: no assertion criteria provided. Collection method: clinical testing. Allele origin: germline. Affected: yes. Study: VKGL Data-share Consensus. Not counted in ClinVar's aggregate classification.

NM_147127.5(EVC2):c.904T>A (p.Phe302Ile)

Gene: EVC2 (EvC ciliary complex subunit 2; minus strand). Cytogenetic location: 4p16.2.
Variant type: single nucleotide variant.
Coding change: c.904T>A on transcript NM_147127.5 (MANE Select); coding-DNA position 904, T replaced by A.
Protein change: p.Phe302Ile; replaces phenylalanine 302 with isoleucine.
Molecular consequence: missense variant.
Genome position (GRCh38, 1-based): chr4:5,665,616, A>T on the plus strand (T>A on the coding strand, the complement: EVC2 is on the minus strand). VCF-style: chr4-5665616-A-T. GRCh37 (hg19) VCF-style: chr4-5667343-A-T.
Other names: c.664T>A, p.Phe222Ile (NM_001166136.2); short protein forms F302I, F222I.
Identifiers: ClinVar variation 461811 (VCV000461811.26), dbSNP rs138728350, ClinGen allele CA2835226.
Genomic context (GRCh38, chr4:5,665,616, plus strand): 5'-GAACCATGAGGAAGAGGGCAGCCCAGGTCAGCACAAGGGAGAGGAGGAAGGCAATGAAGA[A>T]CCCTGCTGCGTGGAGGCCGTGGTGCGGCAGAACCTGTGGAGACAAGAGGAGAGCAGGATT-3'
Protein context (NP_667338.3, residues 292-312): LPHHGLHAAG[Phe302Ile]FIAFLLSLVL